The following is an entry in ClinVar:

ClinVar aggregate classification (germline): Likely benign. Review status: criteria provided, multiple submitters, no conflicts (2 of 4 stars). 2 submissions from 2 submitters: Likely benign (2). Last evaluated 2026-08-01.

Allele frequency attached by ClinVar (database versions not stated): ExAC 0.00021; gnomAD 0.00024; TOPMed 0.00028.
gnomAD v4.1: 837 of 1,613,840 alleles (0.052%); highest among the groups gnomAD compares: Non-Finnish European, 0.065%; no homozygotes.

Submissions (2):

CeGaT Center for Human Genetics Tuebingen
Classification: Likely benign. Last evaluated: 2026-08-01. Review status: criteria provided, single submitter. Criteria: CeGaT Center For Human Genetics Tuebingen Variant Classification Criteria Version 2. Collection method: clinical testing. Allele origin: germline. Affected: yes. Observed: 3 variant alleles.
Comment: FLG: BP4, BP7

Blueprint Genetics
Classification: Likely benign. Last evaluated: 2024-04-04. Review status: criteria provided, single submitter. Criteria: ACMG Guidelines, 2015. Collection method: clinical testing. Allele origin: germline.

NM_002016.2(FLG):c.3099C>T (p.His1033=)

Genes: CCDST (cervical cancer associated DHX9 suppressive transcript; plus strand), FLG (filaggrin; minus strand). Cytogenetic location: 1q21.3.
Variant type: single nucleotide variant.
Coding change: c.3099C>T on transcript NM_002016.2 (MANE Select); coding-DNA position 3099, C replaced by T.
Protein change: p.His1033=; no amino-acid change (histidine 1033 retained).
Molecular consequence: synonymous variant.
Genome position (GRCh38, 1-based): chr1:152,311,787, G>A on the plus strand (C>T on the coding strand, the complement: FLG is on the minus strand). VCF-style: chr1-152311787-G-A. GRCh37 (hg19) VCF-style: chr1-152284263-G-A.
Identifiers: ClinVar variation 2639299 (VCV002639299.25), dbSNP rs747832893, ClinGen allele CA1106834.